The following is an entry in ClinVar:

NM_000540.3(RYR1):c.4415C>T (p.Thr1472Met)

Gene: RYR1 (ryanodine receptor 1; plus strand). Cytogenetic location: 19q13.2.
Variant type: single nucleotide variant.
Coding change: c.4415C>T on transcript NM_000540.3 (MANE Select); coding-DNA position 4415, C replaced by T.
Protein change: p.Thr1472Met; replaces threonine 1472 with methionine.
Molecular consequence: missense variant.
Genome position (GRCh38, 1-based): chr19:38,477,831, C>T. VCF-style: chr19-38477831-C-T. GRCh37 (hg19) VCF-style: chr19-38968471-C-T.
Other names: c.4415C>T, p.Thr1472Met (NM_001042723.2); short protein forms T1472M.
Identifiers: ClinVar variation 664856 (VCV000664856.14), dbSNP rs1318296270, ClinGen allele CA405646199.

ClinVar aggregate classification (germline): Uncertain significance. Review status: criteria provided, multiple submitters, no conflicts (2 of 4 stars). 6 submissions from 6 submitters: Uncertain significance (6). Last evaluated 2025-09-01.

Conditions:
Malignant hyperthermia, susceptibility to, 1 (MHS1). Also called: Malignant hyperthermia suceptibility 1; RYR1-Related Malignant Hyperthermia Susceptibility; Anesthesia related hyperthermia; Malignant hyperpyrexia; Fulminating hyperpyrexia; Pharmacogenic myopathy. Identifiers: Orphanet 423, MedGen C2930980, MONDO:0007783, OMIM 145600.
Congenital multicore myopathy with external ophthalmoplegia (CMYO1B). Also called: MULTIMINICORE DISEASE WITH EXTERNAL OPHTHALMOPLEGIA; MULTICORE MYOPATHY; Congenital myopathy 1B, autosomal recessive; Minicore myopathy; Minicore myopathy with external ophthalmoplegia. Identifiers: Orphanet 598, Orphanet 98905, MedGen C1850674, MONDO:0009712, OMIM 255320, HP:0003789.
King Denborough syndrome (KDS). Identifiers: MedGen C1840365, MONDO:0020485, OMIM 619542.
Congenital myopathy with fiber type disproportion. Also called: Congenital fiber-type disproportion; Congenital fiber-type disproportion myopathy. Identifiers: Orphanet 2020, MedGen C0546264, MONDO:0009711. Inheritance: all.
Central core myopathy (CMYO1A). Also called: CONGENITAL MYOPATHY 1A, AUTOSOMAL DOMINANT, WITH SUSCEPTIBILITY TO MALIGNANT HYPERTHERMIA; Central core disease; Myopathy, central fibrillar. Identifiers: Orphanet 597, MedGen C5830701, MONDO:0007294, OMIM 117000.
Inborn genetic diseases. Identifiers: MedGen C0950123, MeSH D030342.
RYR1-related disorder. Also called: RYR1-related condition; RYR1-related disorders. Identifiers: MedGen CN239331.

Allele frequency attached by ClinVar (database versions not stated): TOPMed 0.00002; gnomAD 0.00003.
gnomAD v4.1: 26 of 1,392,756 alleles (0.0019%); highest among the groups gnomAD compares: African/African-American, 0.0061%; no homozygotes.

Submissions (6):

Ambry Genetics
Classification: Uncertain significance for Inborn genetic diseases. Last evaluated: 2025-09-01. Review status: criteria provided, single submitter. Criteria: Ambry Variant Classification Scheme 2023. Collection method: clinical testing. Allele origin: germline.

All of Us Research Program, National Institutes of Health
Classification: Uncertain significance for Malignant hyperthermia, susceptibility to, 1. Last evaluated: 2024-05-30. Review status: criteria provided, single submitter. Criteria: ACMG Guidelines, 2015. Collection method: clinical testing. Allele origin: germline. Inheritance: Autosomal dominant inheritance. Observed: 6 variant alleles, 6 heterozygotes.
Comment: This missense variant replaces threonine with methionine at codon 1472 of the RYR1 protein. Computational prediction is inconclusive regarding the impact of this variant on protein structure and function (internally defined REVEL score threshold 0.5 < inconclusive < 0.7, PMID: 27666373). To our knowledge, functional studies have not been reported for this variant. This variant has not been reported in individuals affected with RYR1-related disorders in the literature. This variant has been identified in 4/251028 chromosomes in the general population by the Genome Aggregation Database (gnomAD). The available evidence is insufficient to determine the role of this variant in disease conclusively. Therefore, this variant is classified as a Variant of Uncertain Significance.

This study involves interpretation of variants in research participants for the purpose of population health screening. Participant phenotype was not available at the time of variant classification. Additional details can be found in publication PMID: 35346344, PMCID: PMC8962531

PreventionGenetics, part of Exact Sciences
Classification: Uncertain significance for RYR1-related condition. Last evaluated: 2023-08-14. Review status: criteria provided, single submitter. Criteria: ACMG Guidelines, 2015. Collection method: clinical testing. Allele origin: germline.
Comment: The RYR1 c.4415C>T variant is predicted to result in the amino acid substitution p.Thr1472Met. To our knowledge, this variant has not been reported in the literature. This variant is reported in 0.0058% of alleles in individuals of Latino descent in gnomAD. At this time, the clinical significance of this variant is uncertain due to the absence of conclusive functional and genetic evidence.

Fulgent Genetics
Classification: Uncertain significance for Central core myopathy; Malignant hyperthermia, susceptibility to, 1; Congenital myopathy 4A, autosomal dominant; Congenital multicore myopathy with external ophthalmoplegia; King Denborough syndrome. Last evaluated: 2021-08-27. Review status: criteria provided, single submitter. Criteria: ACMG Guidelines, 2015. Collection method: clinical testing. Allele origin: unknown.

Labcorp Genetics (formerly Invitae), Labcorp
Classification: Uncertain significance for RYR1-related disorder. Last evaluated: 2021-08-27. Review status: criteria provided, single submitter. Criteria: Invitae Variant Classification Sherloc (09022015). Collection method: clinical testing. Allele origin: germline.
Comment: This sequence change replaces threonine with methionine at codon 1472 of the RYR1 protein (p.Thr1472Met). The threonine residue is highly conserved and there is a moderate physicochemical difference between threonine and methionine. This variant is not present in population databases (ExAC no frequency). This variant has not been reported in the literature in individuals affected with RYR1-related conditions. Algorithms developed to predict the effect of missense changes on protein structure and function are either unavailable or do not agree on the potential impact of this missense change (SIFT: "Deleterious"; PolyPhen-2: "Probably Damaging"; Align-GVGD: "Class C0"). In summary, the available evidence is currently insufficient to determine the role of this variant in disease. Therefore, it has been classified as a Variant of Uncertain Significance.

GeneDx
Classification: Uncertain significance. Last evaluated: 2021-05-12. Review status: criteria provided, single submitter. Criteria: GeneDx Variant Classification Process June 2021. Collection method: clinical testing. Allele origin: germline. Affected: yes.
Comment: Not observed at a significant frequency in large population cohorts (Lek et al., 2016); In silico analysis supports that this missense variant has a deleterious effect on protein structure/function; Has not been previously published as pathogenic or benign to our knowledge